The following is an entry in ClinVar:

ClinVar aggregate classification (germline): Pathogenic (1 of 4 stars; one submission).

Submission:

GeneDx
Classification: Pathogenic. Last evaluated: 2019-12-04. Review status: criteria provided, single submitter. Criteria: GeneDx Variant Classification Process June 2021. Collection method: clinical testing. Allele origin: germline. Affected: yes.
Comment: Frameshift variant predicted to result in protein truncation or nonsense mediated decay in a gene for which loss-of-function is a known mechanism of disease; Not observed in large population cohorts (Lek et al., 2016); Has not been previously published as pathogenic or benign to our knowledge

NM_017780.4(CHD7):c.2413dup (p.Ile805fs)

Gene: CHD7 (chromodomain helicase DNA binding protein 7; plus strand). Cytogenetic location: 8q12.2.
Variant type: Duplication.
Coding change: c.2413dup on transcript NM_017780.4 (MANE Select); coding-DNA position 2413, one base duplicated (A; older notation c.2413dupA).
Protein change: p.Ile805fs; shifts the reading frame from isoleucine 805.
Molecular consequence: frameshift variant. On other transcripts: intron variant (1).
Genome position (GRCh38, 1-based): chr8:60,801,564, A duplicated; the last of 6 consecutive A bases (chr8:60,801,559-60,801,564); duplicating any one gives the same sequence. VCF-style (leftmost placement, unchanged base first): chr8-60801558-G-GA. GRCh37 (hg19) VCF-style: chr8-61714117-G-GA.
Other names: c.2413dupA (NM_017780.2); c.2413dup (LRG_176t1); c.1716+20514dup (NM_001316690.1); short protein forms I805fs.
Identifiers: ClinVar variation 504140 (VCV000504140.3), dbSNP rs1554593023, ClinGen allele CA658795352.